The following is an entry in ClinVar:

ClinVar aggregate classification (germline): Uncertain significance (1 of 4 stars; one submission).

Allele frequency attached by ClinVar (database versions not stated): TOPMed below 0.00001; gnomAD exomes 0.00001.
gnomAD v4.1: 16 of 1,592,780 alleles (0.001%); highest among the groups gnomAD compares: African/African-American, 0.0094%; no homozygotes.

Submission:

Labcorp Genetics (formerly Invitae), Labcorp
Classification: Uncertain significance. Last evaluated: 2024-12-16. Review status: criteria provided, single submitter. Criteria: Invitae Variant Classification Sherloc (09022015). Collection method: clinical testing. Allele origin: germline.
Comment: This sequence change replaces serine, which is neutral and polar, with leucine, which is neutral and non-polar, at codon 86 of the CFD protein (p.Ser86Leu). This variant is not present in population databases (gnomAD no frequency). This variant has not been reported in the literature in individuals affected with CFD-related conditions. ClinVar contains an entry for this variant (Variation ID: 1348296). An algorithm developed to predict the effect of missense changes on protein structure and function (PolyPhen-2) suggests that this variant is likely to be disruptive. In summary, the available evidence is currently insufficient to determine the role of this variant in disease. Therefore, it has been classified as a Variant of Uncertain Significance.

NM_001928.4(CFD):c.257C>T (p.Ser86Leu)

Gene: CFD (complement factor D; plus strand). Cytogenetic location: 19p13.3.
Variant type: single nucleotide variant.
Coding change: c.257C>T on transcript NM_001928.4 (MANE Select); coding-DNA position 257, C replaced by T.
Protein change: p.Ser86Leu; replaces serine 86 with leucine.
Molecular consequence: missense variant.
Genome position (GRCh38, 1-based): chr19:860,905, C>T. VCF-style: chr19-860905-C-T. GRCh37 (hg19) VCF-style: chr19-860905-C-T.
Other names: c.278C>T, p.Ser93Leu (NM_001317335.2); short protein forms S86L, S93L.
Identifiers: ClinVar variation 1348296 (VCV001348296.6), dbSNP rs112469647, ClinGen allele CA303952805.